The following is an entry in ClinVar:

NM_201384.3(PLEC):c.7193G>T (p.Arg2398Leu)

Gene: PLEC (plectin; minus strand). Cytogenetic location: 8q24.3.
Variant type: single nucleotide variant.
Coding change: c.7193G>T on transcript NM_201384.3 (MANE Select); coding-DNA position 7193, G replaced by T.
Protein change: p.Arg2398Leu; replaces arginine 2398 with leucine.
Molecular consequence: missense variant.
Genome position (GRCh38, 1-based): chr8:143,922,736, C>A on the plus strand (G>T on the coding strand, the complement: PLEC is on the minus strand). VCF-style: chr8-143922736-C-A. GRCh37 (hg19) VCF-style: chr8-144996904-C-A.
Other names: c.7274G>T, p.Arg2425Leu (NM_000445.5); c.7151G>T, p.Arg2384Leu (NM_201378.4); c.7127G>T, p.Arg2376Leu (NM_201379.3); c.7604G>T, p.Arg2535Leu (NM_201380.4); c.7097G>T, p.Arg2366Leu (NM_201381.3); c.7193G>T, p.Arg2398Leu (NM_201382.4); c.7205G>T, p.Arg2402Leu (NM_201383.3); c.7274G>T (NM_000445.4); short protein forms R2398L, R2376L, R2384L, R2425L, R2366L, R2402L, R2535L.
Identifiers: ClinVar variation 2139452 (VCV002139452.5), dbSNP rs368343687, ClinGen allele CA4925734.

ClinVar aggregate classification (germline): Uncertain significance. Review status: criteria provided, single submitter (1 of 4 stars). 2 submissions from 2 submitters: Uncertain significance (1). 1 of the submissions does not count toward it. Last evaluated 2022-06-02.

Conditions:
PLEC-related disorder. Also called: PLEC-related condition; PLEC-related disorders.
Autosomal recessive limb-girdle muscular dystrophy type 2Q (LGMDR17). Also called: MUSCULAR DYSTROPHY, LIMB-GIRDLE, AUTOSOMAL RECESSIVE 17. Identifiers: Orphanet 254361, MedGen C3150989, MONDO:0013390, OMIM 613723.
Epidermolysis bullosa simplex, Ogna type (EBS5A). Also called: EPIDERMOLYSIS BULLOSA SIMPLEX 5A, OGNA TYPE; Pidermolysis bullosa simplex 5A, Ogna type. Identifiers: Orphanet 79401, MedGen C0432317, MONDO:0007555, OMIM 131950.
Epidermolysis bullosa simplex 5B, with muscular dystrophy (EBS5B). Also called: Epidermolysis bullosa simplex with muscular dystrophy; EPIDERMOLYSIS BULLOSA SIMPLEX AND LIMB-GIRDLE MUSCULAR DYSTROPHY. Identifiers: Orphanet 257, MedGen C2931072, MONDO:0009181, OMIM 226670.
Epidermolysis bullosa simplex 5C, with pyloric atresia (EBS5C). Also called: PLEC-Related Epidermolysis Bullosa with Pyloric Atresia; Epidermolysis bullosa simplex with pyloric atresia; PLEC1-Related Epidermolysis Bullosa with Pyloric Atresia. Identifiers: Orphanet 158684, MedGen C2677349, MONDO:0012807, OMIM 612138.
Epidermolysis bullosa simplex with nail dystrophy (EBS5D). Identifiers: MedGen C4225309, MONDO:0014661, OMIM 616487.

gnomAD v4.1: 16 of 1,610,906 alleles (0.00099%); highest among the groups gnomAD compares: South Asian, 0.017%; 1 homozygote.

Submissions (2):

Labcorp Genetics (formerly Invitae), Labcorp
Classification: Uncertain significance for Autosomal recessive limb-girdle muscular dystrophy type 2Q; Epidermolysis bullosa simplex, Ogna type; Epidermolysis bullosa simplex with nail dystrophy; Epidermolysis bullosa simplex 5C, with pyloric atresia; Epidermolysis bullosa simplex 5B, with muscular dystrophy. Last evaluated: 2022-06-02. Review status: criteria provided, single submitter. Criteria: Invitae Variant Classification Sherloc (09022015). Collection method: clinical testing. Allele origin: germline.
Comment: In summary, the available evidence is currently insufficient to determine the role of this variant in disease. Therefore, it has been classified as a Variant of Uncertain Significance. Algorithms developed to predict the effect of missense changes on protein structure and function (SIFT, PolyPhen-2, Align-GVGD) all suggest that this variant is likely to be disruptive. This variant has not been reported in the literature in individuals affected with PLEC-related conditions. This variant is present in population databases (rs368343687, gnomAD 0.01%). This sequence change replaces arginine, which is basic and polar, with leucine, which is neutral and non-polar, at codon 2425 of the PLEC protein (p.Arg2425Leu).

PreventionGenetics, part of Exact Sciences
Classification: Uncertain significance for PLEC-related condition. Last evaluated: 2024-06-27. Review status: no assertion criteria provided. Collection method: clinical testing. Allele origin: germline. Not counted in ClinVar's aggregate classification.
Comment: The PLEC c.7274G>T variant is predicted to result in the amino acid substitution p.Arg2425Leu. To our knowledge, this variant has not been reported in the literature. This variant is reported in 0.0099% of alleles in individuals of South Asian descent in gnomAD. At this time, the clinical significance of this variant is uncertain due to the absence of conclusive functional and genetic evidence.